The following is an entry in ClinVar:

ClinVar aggregate classification (germline): Likely benign (1 of 4 stars; one submission).

Submission:

CeGaT Center for Human Genetics Tuebingen
Classification: Likely benign. Last evaluated: 2025-03-01. Review status: criteria provided, single submitter. Criteria: CeGaT Center For Human Genetics Tuebingen Variant Classification Criteria Version 2. Collection method: clinical testing. Allele origin: germline. Affected: yes. Observed: 1 variant allele.
Comment: ATP1A2: PM2:Supporting, BP4, BP7

NM_000702.4(ATP1A2):c.2613A>G (p.Ala871=)

Gene: ATP1A2 (ATPase Na+/K+ transporting subunit alpha 2; plus strand). Cytogenetic location: 1q23.2.
Variant type: single nucleotide variant.
Coding change: c.2613A>G on transcript NM_000702.4 (MANE Select); coding-DNA position 2613, A replaced by G.
Protein change: p.Ala871=; no amino-acid change (alanine 871 retained).
Molecular consequence: synonymous variant.
Genome position (GRCh38, 1-based): chr1:160,136,619, A>G. VCF-style: chr1-160136619-A-G. GRCh37 (hg19) VCF-style: chr1-160106409-A-G.
Identifiers: ClinVar variation 3778465 (VCV003778465.7).